The following is an entry in ClinVar:

ClinVar aggregate classification (germline): Pathogenic (1 of 4 stars; one submission).

Submission:

GeneDx
Classification: Pathogenic. Last evaluated: 2025-12-13. Review status: criteria provided, single submitter. Criteria: GeneDx Variant Classification Process June 2021. Collection method: clinical testing. Allele origin: germline. Affected: yes.
Comment: Not observed at significant frequency in large population cohorts (gnomAD); In silico analysis supports a deleterious effect on protein structure/function; Has not been previously published as pathogenic or benign to our knowledge; This variant is associated with the following publications: (PMID: 24224811, 29493581, 18039947, 22926243)

NM_005343.4(HRAS):c.35_36delinsAT (p.Gly12Asp)

Genes: HRAS (HRas proto-oncogene, GTPase; minus strand), LRRC56 (leucine rich repeat containing 56; plus strand). Cytogenetic location: 11p15.5.
Variant type: Indel.
Coding change: c.35_36delinsAT on transcript NM_005343.4 (MANE Select); coding-DNA positions 35 to 36, GC replaced by AT.
Protein change: p.Gly12Asp; replaces glycine 12 with aspartic acid.
Molecular consequence: missense variant. On other transcripts: 5 prime UTR variant (1).
Genome position (GRCh38, 1-based): chr11:534,287-534,288, GC replaced by AT on the plus strand (GC replaced by AT on the coding strand, the reverse complement: HRAS is on the minus strand). VCF-style: chr11-534287-GC-AT. GRCh37 (hg19) VCF-style: chr11-534287-GC-AT.
Other names: p.G12D:GGC>GAT; c.35_36delGCinsAT (NM_005343.2); c.35_36delinsAT, p.Gly12Asp (NM_001130442.3, NM_176795.5); c.-285_-284delinsAT (NM_001318054.2); short protein forms G12D.
Identifiers: ClinVar variation 180854 (VCV000180854.4), dbSNP rs727503094, ClinGen allele CA296072.
Genomic context (GRCh38, chr11:534,287, plus strand): 5'-GTATTCGTCCACAAAATGGTTCTGGATCAGCTGGATGGTCAGCGCACTCTTGCCCACACC[GC>AT]CGGCGCCCACCACCACCAGCTTATATTCCGTCATCGCTCCTCAGGGGCCTGCGGCCCGGG-3'
Protein context (NP_005334.1, residues 2-22): TEYKLVVVGA[Gly12Asp]GVGKSALTIQ